The following is an entry in ClinVar:

ClinVar aggregate classification (germline): Likely pathogenic (1 of 4 stars; one submission).

Submission:

Labcorp Genetics (formerly Invitae), Labcorp
Classification: Likely pathogenic. Last evaluated: 2024-11-13. Review status: criteria provided, single submitter. Criteria: Invitae Variant Classification Sherloc (09022015). Collection method: clinical testing. Allele origin: germline.
Comment: This sequence change affects an acceptor splice site in intron 16 of the LZTR1 gene. It is expected to disrupt RNA splicing. Variants that disrupt the donor or acceptor splice site typically lead to a loss of protein function (PMID: 16199547), and loss-of-function variants in LZTR1 are known to be pathogenic (PMID: 24362817, 25335493, 25480913, 25795793, 29469822, 30368668, 30442762, 30442766, 30481304, 30859559). This variant is not present in population databases (gnomAD no frequency). This variant has not been reported in the literature in individuals affected with LZTR1-related conditions. Algorithms developed to predict the effect of sequence changes on RNA splicing suggest that this variant may disrupt the consensus splice site. In summary, the currently available evidence indicates that the variant is pathogenic, but additional data are needed to prove that conclusively. Therefore, this variant has been classified as Likely Pathogenic.

Literature cited by the submitters: PubMed 16199547; PubMed 24362817; PubMed 25335493; PubMed 25480913; PubMed 25795793; PubMed 29469822; PubMed 30368668; PubMed 30442762; PubMed 30442766; PubMed 30481304; PubMed 30859559.

NM_006767.4(LZTR1):c.1943-1G>C

Gene: LZTR1 (leucine zipper like post translational regulator 1; plus strand). Cytogenetic location: 22q11.21.
Variant type: single nucleotide variant.
Coding change: c.1943-1G>C on transcript NM_006767.4 (MANE Select); the canonical splice acceptor site of the intron before coding-DNA position 1943, G replaced by C.
Molecular consequence: splice acceptor variant.
Genome position (GRCh38, 1-based): chr22:20,995,745, G>C. VCF-style: chr22-20995745-G-C. GRCh37 (hg19) VCF-style: chr22-21350034-G-C.
Identifiers: ClinVar variation 3623884 (VCV003623884.2).